The following is an entry in ClinVar:

ClinVar aggregate classification (germline): Uncertain significance. Review status: criteria provided, multiple submitters, no conflicts (2 of 4 stars). 2 submissions from 2 submitters: Uncertain significance (2). Last evaluated 2025-02-13.

Conditions:
Inborn genetic diseases. Identifiers: MedGen C0950123, MeSH D030342.

Submissions (2):

Labcorp Genetics (formerly Invitae), Labcorp
Classification: Uncertain significance. Last evaluated: 2025-02-13. Review status: criteria provided, single submitter. Criteria: Invitae Variant Classification Sherloc (09022015). Collection method: clinical testing. Allele origin: germline.
Comment: This sequence change replaces proline, which is neutral and non-polar, with serine, which is neutral and polar, at codon 1726 of the FLNB protein (p.Pro1726Ser). This variant is not present in population databases (gnomAD no frequency). This variant has not been reported in the literature in individuals affected with FLNB-related conditions. ClinVar contains an entry for this variant (Variation ID: 3279197). Invitae Evidence Modeling of protein sequence and biophysical properties (such as structural, functional, and spatial information, amino acid conservation, physicochemical variation, residue mobility, and thermodynamic stability) indicates that this missense variant is not expected to disrupt FLNB protein function with a negative predictive value of 95%. In summary, the available evidence is currently insufficient to determine the role of this variant in disease. Therefore, it has been classified as a Variant of Uncertain Significance.

Ambry Genetics
Classification: Uncertain significance for Inborn genetic diseases. Last evaluated: 2024-05-12. Review status: criteria provided, single submitter. Criteria: Ambry Variant Classification Scheme 2023. Collection method: clinical testing. Allele origin: germline.

NM_001457.4(FLNB):c.5176C>T (p.Pro1726Ser)

Gene: FLNB (filamin B; plus strand). Cytogenetic location: 3p14.3.
Variant type: single nucleotide variant.
Coding change: c.5176C>T on transcript NM_001457.4 (MANE Select); coding-DNA position 5176, C replaced by T.
Protein change: p.Pro1726Ser; replaces proline 1726 with serine.
Molecular consequence: missense variant. On other transcripts: intron variant (2).
Genome position (GRCh38, 1-based): chr3:58,141,924, C>T. VCF-style: chr3-58141924-C-T. GRCh37 (hg19) VCF-style: chr3-58127651-C-T.
Other names: c.5269C>T, p.Pro1757Ser (NM_001164317.2); c.5148+28C>T (NM_001164318.2); c.5110-726C>T (NM_001164319.2); short protein forms P1726S, P1757S.
Identifiers: ClinVar variation 3279197 (VCV003279197.2).